The following is an entry in ClinVar:

NM_005751.5(AKAP9):c.9481G>T (p.Val3161Phe)

Gene: AKAP9 (A-kinase anchoring protein 9; plus strand). Cytogenetic location: 7q21.2.
Variant type: single nucleotide variant.
Coding change: c.9481G>T on transcript NM_005751.5 (MANE Select); coding-DNA position 9481, G replaced by T.
Protein change: p.Val3161Phe; replaces valine 3161 with phenylalanine.
Molecular consequence: missense variant.
Genome position (GRCh38, 1-based): chr7:92,093,219, G>T. VCF-style: chr7-92093219-G-T. GRCh37 (hg19) VCF-style: chr7-91722533-G-T.
Other names: c.4126G>T, p.Val1376Phe (NM_001379277.1); c.9457G>T, p.Val3153Phe (NM_147185.3); short protein forms V1376F, V3161F, V3153F.
Identifiers: ClinVar variation 1767099 (VCV001767099.8), dbSNP rs139479927, ClinGen allele CA4337771.

ClinVar aggregate classification (germline): Conflicting classifications of pathogenicity. Review status: criteria provided, conflicting classifications (1 of 4 stars). 2 submissions from 2 submitters: Uncertain significance (1); Benign (1). Last evaluated 2026-06-09.

Conditions:
Long QT syndrome (LQTS). Identifiers: MedGen C0023976, MeSH D008133, MONDO:0002442. Disease mechanism: loss of function. Inheritance: Various modes of inheritance.
Cardiovascular phenotype. Identifiers: MedGen CN230736.

Allele frequency attached by ClinVar (database versions not stated): TOPMed 0.00003; ESP Exome Variant Server 0.00023; ExAC 0.00001.
gnomAD v4.1: 10 of 1,614,036 alleles (0.00062%); highest among the groups gnomAD compares: African/African-American, 0.013%; no homozygotes.

Submissions (2):

Ambry Genetics
Classification: Benign for Cardiovascular phenotype. Last evaluated: 2026-06-09. Review status: criteria provided, single submitter. Criteria: Ambry Variant Classification Scheme 2023. Collection method: clinical testing. Allele origin: germline.

Labcorp Genetics (formerly Invitae), Labcorp
Classification: Uncertain significance for Long QT syndrome. Last evaluated: 2025-04-01. Review status: criteria provided, single submitter. Criteria: Invitae Variant Classification Sherloc (09022015). Collection method: clinical testing. Allele origin: germline.
Comment: This sequence change replaces valine, which is neutral and non-polar, with phenylalanine, which is neutral and non-polar, at codon 3161 of the AKAP9 protein (p.Val3161Phe). This variant is present in population databases (rs139479927, gnomAD 0.01%). This variant has not been reported in the literature in individuals affected with AKAP9-related conditions. ClinVar contains an entry for this variant (Variation ID: 1767099). An algorithm developed to predict the effect of missense changes on protein structure and function (PolyPhen-2) suggests that this variant is likely to be disruptive. In summary, the available evidence is currently insufficient to determine the role of this variant in disease. Therefore, it has been classified as a Variant of Uncertain Significance.